The following is an entry in ClinVar:

NM_013275.6(ANKRD11):c.6112_6132del (p.Lys2038_Val2044del)

Gene: ANKRD11 (ankyrin repeat domain 11; minus strand). Cytogenetic location: 16q24.3.
Variant type: Deletion.
Coding change: c.6112_6132del on transcript NM_013275.6 (MANE Select); coding-DNA positions 6112 to 6132, 21 bases deleted (AAGGACGGAGTGGACGCCGTC).
Protein change: p.Lys2038_Val2044del.
Molecular consequence: inframe deletion.
Genome position (GRCh38, 1-based): chr16:89,280,410-89,280,430, GACGGCGTCCACTCCGTCCTT deleted on the plus strand (AAGGACGGAGTGGACGCCGTC on the coding strand, the reverse complement: ANKRD11 is on the minus strand); deleting any 21 consecutive bases within chr16:89,280,410-89,280,434 gives the same sequence; the c. name uses the placement nearest the transcript's 3' end. VCF-style (leftmost placement, unchanged base first): chr16-89280409-GGACGGCGTCCACTCCGTCCTT-G. GRCh37 (hg19) VCF-style: chr16-89346817-GGACGGCGTCCACTCCGTCCTT-G.
Other names: c.6112_6132del, p.Lys2038_Val2044del (NM_001256182.2, NM_001256183.2).
Identifiers: ClinVar variation 547991 (VCV000547991.8), dbSNP rs748553966, ClinGen allele CA8241572.
Genomic context (GRCh38, chr16:89,280,409, plus strand): 5'-AGGACTCCAGCCCGGAGGGAGGGGCGTAGGGAGCCGCCTCTGAGGTGGAGATGGCGGCGG[GGACGGCGTCCACTCCGTCCTT>G]GACGTCCTCCAGCCCCGGCTCAGCGACGGGCAGAGCGTACGGGGCAGGAGAGGCGGGAGG-3'

ClinVar aggregate classification (germline): Uncertain significance. Review status: criteria provided, multiple submitters, no conflicts (2 of 4 stars). 2 submissions from 2 submitters: Uncertain significance (2). Last evaluated 2025-03-31.

Conditions:
KBG syndrome (KBGS). Also called: ANKRD11-Related KBG Syndrome. Identifiers: Orphanet 2332, MedGen C0220687, MONDO:0007846, OMIM 148050.

Submissions (2):

Labcorp Genetics (formerly Invitae), Labcorp
Classification: Uncertain significance for KBG syndrome. Last evaluated: 2025-03-31. Review status: criteria provided, single submitter. Criteria: Invitae Variant Classification Sherloc (09022015). Collection method: clinical testing. Allele origin: germline.
Comment: This variant, c.6112_6132del, results in the deletion of 7 amino acid(s) of the ANKRD11 protein (p.Lys2038_Val2044del), but otherwise preserves the integrity of the reading frame. This variant is present in population databases (rs748553966, gnomAD 0.006%). This variant has not been reported in the literature in individuals affected with ANKRD11-related conditions. ClinVar contains an entry for this variant (Variation ID: 547991). Experimental studies and prediction algorithms are not available or were not evaluated, and the functional significance of this variant is currently unknown. In summary, the available evidence is currently insufficient to determine the role of this variant in disease. Therefore, it has been classified as a Variant of Uncertain Significance.

Mayo Clinic Laboratories, Mayo Clinic
Classification: Uncertain significance for KBG syndrome. Last evaluated: 2017-09-13. Review status: criteria provided, single submitter. Criteria: ACMG Guidelines, 2015. Collection method: clinical testing. Allele origin: paternal.